The following is an entry in ClinVar:

ClinVar aggregate classification (germline): Uncertain significance (1 of 4 stars; one submission).

Conditions:
Waardenburg syndrome type 2A (WS2A). Also called: WAARDENBURG SYNDROME WITHOUT DYSTOPIA CANTHORUM. Identifiers: Orphanet 3440, MedGen C1860339, MONDO:0008671, OMIM 193510.
Tietz syndrome (TADS). Also called: ALBINISM-DEAFNESS OF TIETZ; HYPOPIGMENTATION/DEAFNESS OF TIETZ; TIETZ ALBINISM-DEAFNESS SYNDROME. Identifiers: Orphanet 42665, MedGen C0391816, MONDO:0007077, OMIM 103500.
Melanoma, cutaneous malignant, susceptibility to, 8. Also called: MELANOMA AND RENAL CELL CARCINOMA, SUSCEPTIBILITY TO; Cutaneous malignant melanoma 8. Identifiers: Orphanet 293822, MedGen C3152204, MONDO:0013759, OMIM 614456.

Submission:

Labcorp Genetics (formerly Invitae), Labcorp
Classification: Uncertain significance for Melanoma, cutaneous malignant, susceptibility to, 8; Waardenburg syndrome type 2A; Tietz syndrome. Last evaluated: 2024-02-02. Review status: criteria provided, single submitter. Criteria: Invitae Variant Classification Sherloc (09022015). Collection method: clinical testing. Allele origin: germline.
Comment: This sequence change replaces alanine, which is neutral and non-polar, with serine, which is neutral and polar, at codon 363 of the MITF protein (p.Ala363Ser). This variant is not present in population databases (gnomAD no frequency). This variant has not been reported in the literature in individuals affected with MITF-related conditions. Advanced modeling of protein sequence and biophysical properties (such as structural, functional, and spatial information, amino acid conservation, physicochemical variation, residue mobility, and thermodynamic stability) performed at Invitae indicates that this missense variant is not expected to disrupt MITF protein function with a negative predictive value of 80%. In summary, the available evidence is currently insufficient to determine the role of this variant in disease. Therefore, it has been classified as a Variant of Uncertain Significance.

NM_001354604.2(MITF):c.1408G>T (p.Ala470Ser)

Gene: MITF (melanocyte inducing transcription factor; plus strand). Cytogenetic location: 3p13.
Variant type: single nucleotide variant.
Coding change: c.1408G>T on transcript NM_001354604.2 (MANE Select); coding-DNA position 1408, G replaced by T.
Protein change: p.Ala470Ser; replaces alanine 470 with serine.
Molecular consequence: missense variant.
Genome position (GRCh38, 1-based): chr3:69,965,075, G>T. VCF-style: chr3-69965075-G-T. GRCh37 (hg19) VCF-style: chr3-70014226-G-T.
Other names: c.1087G>T, p.Ala363Ser (NM_000248.4); c.1234G>T, p.Ala412Ser (NM_001184967.2, NM_001354608.2); c.1405G>T, p.Ala469Ser (NM_001354605.2); c.1387G>T, p.Ala463Ser (NM_001354606.2, NM_006722.3); c.1339G>T, p.Ala447Ser (NM_001354607.2); c.1069G>T, p.Ala357Ser (NM_198158.3); c.1390G>T, p.Ala464Ser (NM_198159.3); c.1342G>T, p.Ala448Ser (NM_198177.3); and 1 more; short protein forms A301S, A357S, A363S, A412S, A447S, A448S, A463S, A464S.
Identifiers: ClinVar variation 3754370 (VCV003754370.2).